The following is an entry in ClinVar:

NM_007118.4(TRIO):c.3447+7dup

Gene: TRIO (trio Rho guanine nucleotide exchange factor; plus strand). Cytogenetic location: 5p15.2.
Variant type: Duplication.
Coding change: c.3447+7dup on transcript NM_007118.4 (MANE Select); 7 bases into the intron after coding-DNA position 3447, one base duplicated (G; older notation c.3447+7dupG).
Molecular consequence: intron variant.
Genome position (GRCh38, 1-based): chr5:14,378,134, G duplicated. VCF-style (leftmost placement, unchanged base first): chr5-14378133-T-TG. GRCh37 (hg19) VCF-style: chr5-14378242-T-TG.
Identifiers: ClinVar variation 2632158 (VCV002632158.1), dbSNP rs2532769314, ClinGen allele CA2673286763.

ClinVar aggregate classification (germline): Uncertain significance (1 of 4 stars; one submission).

Conditions:
TRIO-related disorder. Also called: TRIO-related condition; TRIO-related disorders.

Allele frequency attached by ClinVar (database versions not stated): gnomAD exomes below 0.00001.

Submission:

PreventionGenetics, part of Exact Sciences
Classification: Uncertain significance for TRIO-related condition. Last evaluated: 2023-06-22. Review status: criteria provided, single submitter. Criteria: ACMG Guidelines, 2015. Collection method: clinical testing. Allele origin: germline.
Comment: The TRIO c.3447+7dupG variant is predicted to result in an intronic duplication. To our knowledge, this variant has not been reported in the literature or in a large population database, indicating this variant is rare. At this time, the clinical significance of this variant is uncertain due to the absence of conclusive functional and genetic evidence.